The following is an entry in ClinVar:

NM_201384.3(PLEC):c.5036C>T (p.Ala1679Val)

Gene: PLEC (plectin; minus strand). Cytogenetic location: 8q24.3.
Variant type: single nucleotide variant.
Coding change: c.5036C>T on transcript NM_201384.3 (MANE Select); coding-DNA position 5036, C replaced by T.
Protein change: p.Ala1679Val; replaces alanine 1679 with valine.
Molecular consequence: missense variant.
Genome position (GRCh38, 1-based): chr8:143,924,893, G>A on the plus strand (C>T on the coding strand, the complement: PLEC is on the minus strand). VCF-style: chr8-143924893-G-A. GRCh37 (hg19) VCF-style: chr8-144999061-G-A.
Other names: c.5117C>T (NM_000445.4); c.5117C>T, p.Ala1706Val (NM_000445.5); c.4994C>T, p.Ala1665Val (NM_201378.4); c.4970C>T, p.Ala1657Val (NM_201379.3); c.5447C>T, p.Ala1816Val (NM_201380.4); c.4940C>T, p.Ala1647Val (NM_201381.3); c.5036C>T, p.Ala1679Val (NM_201382.4); c.5048C>T, p.Ala1683Val (NM_201383.3); short protein forms A1647V, A1657V, A1665V, A1679V, A1683V, A1706V, A1816V.
Identifiers: ClinVar variation 1026117 (VCV001026117.9), dbSNP rs782217591, ClinGen allele CA4926450.

ClinVar aggregate classification (germline): Uncertain significance. Review status: criteria provided, multiple submitters, no conflicts (2 of 4 stars). 3 submissions from 3 submitters: Uncertain significance (3). Last evaluated 2026-03-04.

Conditions:
PLEC-related disorder. Also called: PLEC-related disorders; PLEC-related condition.
Epidermolysis bullosa simplex 5B, with muscular dystrophy (EBS5B). Also called: Epidermolysis bullosa simplex with muscular dystrophy; EPIDERMOLYSIS BULLOSA SIMPLEX AND LIMB-GIRDLE MUSCULAR DYSTROPHY. Identifiers: Orphanet 257, MedGen C2931072, MONDO:0009181, OMIM 226670.
Epidermolysis bullosa simplex with nail dystrophy (EBS5D). Identifiers: MedGen C4225309, MONDO:0014661, OMIM 616487.
Epidermolysis bullosa simplex 5C, with pyloric atresia (EBS5C). Also called: PLEC-Related Epidermolysis Bullosa with Pyloric Atresia; Epidermolysis bullosa simplex with pyloric atresia; PLEC1-Related Epidermolysis Bullosa with Pyloric Atresia. Identifiers: Orphanet 158684, MedGen C2677349, MONDO:0012807, OMIM 612138.
Epidermolysis bullosa simplex, Ogna type (EBS5A). Also called: Pidermolysis bullosa simplex 5A, Ogna type; EPIDERMOLYSIS BULLOSA SIMPLEX 5A, OGNA TYPE. Identifiers: Orphanet 79401, MedGen C0432317, MONDO:0007555, OMIM 131950.
Autosomal recessive limb-girdle muscular dystrophy type 2Q (LGMDR17). Also called: MUSCULAR DYSTROPHY, LIMB-GIRDLE, AUTOSOMAL RECESSIVE 17. Identifiers: Orphanet 254361, MedGen C3150989, MONDO:0013390, OMIM 613723.

Allele frequency attached by ClinVar (database versions not stated): gnomAD exomes 0.00004 and 0.00005; ExAC 0.00005; TOPMed 0.00005; gnomAD 0.00007 and 0.00008.
gnomAD v4.1: 70 of 1,588,816 alleles (0.0044%); highest among the groups gnomAD compares: Admixed American, 0.0051%; no homozygotes.

Submissions (3):

PreventionGenetics, part of Exact Sciences
Classification: Uncertain significance for PLEC-related condition. Last evaluated: 2026-03-04. Review status: criteria provided, single submitter. Criteria: ACMG Guidelines, 2015. Collection method: clinical testing. Allele origin: germline.
Comment: The PLEC c.5117C>T variant is predicted to result in the amino acid substitution p.Ala1706Val. To our knowledge, this variant has not been reported in the literature. This variant is reported in 0.0093% of alleles in individuals of European (Non-Finnish) descent in gnomAD. At this time, the clinical significance of this variant is uncertain due to the absence of conclusive functional and genetic evidence.

Labcorp Genetics (formerly Invitae), Labcorp
Classification: Uncertain significance for Autosomal recessive limb-girdle muscular dystrophy type 2Q; Epidermolysis bullosa simplex, Ogna type; Epidermolysis bullosa simplex with nail dystrophy; Epidermolysis bullosa simplex 5C, with pyloric atresia; Epidermolysis bullosa simplex 5B, with muscular dystrophy. Last evaluated: 2026-01-30. Review status: criteria provided, single submitter. Criteria: Invitae Variant Classification Sherloc (09022015). Collection method: clinical testing. Allele origin: germline.
Comment: This sequence change replaces alanine, which is neutral and non-polar, with valine, which is neutral and non-polar, at codon 1706 of the PLEC protein (p.Ala1706Val). This variant is present in population databases (rs782217591, gnomAD 0.009%). This variant has not been reported in the literature in individuals affected with PLEC-related conditions. ClinVar contains an entry for this variant (Variation ID: 1026117). Experimental studies and prediction algorithms are not available or were not evaluated, and the functional significance of this variant is currently unknown. In summary, the available evidence is currently insufficient to determine the role of this variant in disease. Therefore, it has been classified as a Variant of Uncertain Significance.

Revvity Omics, Revvity
Classification: Uncertain significance. Last evaluated: 2019-11-19. Review status: criteria provided, single submitter. Criteria: ACMG Guidelines, 2015. Collection method: clinical testing. Allele origin: germline.